The following is an entry in ClinVar:

NM_025137.4(SPG11):c.4773dup (p.Val1592fs)

Gene: SPG11 (SPG11 vesicle trafficking associated, spatacsin; minus strand). Cytogenetic location: 15q21.1.
Variant type: Duplication.
Coding change: c.4773dup on transcript NM_025137.4 (MANE Select); coding-DNA position 4773, one base duplicated (T; older notation c.4773dupT).
Protein change: p.Val1592fs; shifts the reading frame from valine 1592.
Molecular consequence: frameshift variant.
Genome position (GRCh38, 1-based): chr15:44,589,385, A duplicated on the plus strand (T on the coding strand, the reverse complement: SPG11 is on the minus strand). VCF-style (leftmost placement, unchanged base first): chr15-44589384-C-CA. GRCh37 (hg19) VCF-style: chr15-44881582-C-CA.
Other names: c.4773dup, p.Val1592fs (NM_001160227.2); c.4773dupT (NM_025137.4); short protein forms V1592fs.
Identifiers: ClinVar variation 421329 (VCV000421329.6), dbSNP rs1064795062, ClinGen allele CA16619931.
Genomic context (GRCh38, chr15:44,589,384, plus strand): 5'-GCTGTAGCATAAGCTTCAAAAGGAAACACACCTGATCCTCCAGCCACATGGCAGGGATGA[C>CA]AGGGTGGACCTTTGTGGCTGCTGTGTTAAGCTATGAAAGAAAAAGAGAAGCTTAGGGAAA-3'

ClinVar aggregate classification (germline): Pathogenic/Likely pathogenic. Review status: criteria provided, multiple submitters, no conflicts (2 of 4 stars). 3 submissions from 3 submitters: Pathogenic (2); Likely pathogenic (1). Last evaluated 2023-11-14.

Conditions:
Hereditary spastic paraplegia. Also called: Familial spastic paraparesis. Identifiers: Orphanet 685, MedGen C0037773, MONDO:0019064. Disease mechanism: loss of function.
Hereditary spastic paraplegia 11. Also called: Spastic Paraplegia 11; SPASTIC PARAPLEGIA, AUTOSOMAL RECESSIVE, COMPLICATED, WITH THIN CORPUS CALLOSUM; SPASTIC PARAPLEGIA, AUTOSOMAL RECESSIVE, WITH MENTAL IMPAIRMENT AND THIN CORPUS CALLOSUM; Spastic paraplegia, mental retardation and thin corpus callosum; Nakamura Osame syndrome; Autosomal recessive hereditary spastic paraplegia, mental impairment, and thin corpus callosum. Identifiers: Orphanet 2822, MedGen C1858479, MONDO:0011445, OMIM 604360.

Allele frequency attached by ClinVar (database versions not stated): gnomAD exomes below 0.00001; TOPMed below 0.00001.

Submissions (3):

Women's Health and Genetics/Laboratory Corporation of America, LabCorp
Classification: Pathogenic for Hereditary spastic paraplegia. Last evaluated: 2023-11-14. Review status: criteria provided, single submitter. Criteria: LabCorp Variant Classification Summary - May 2015. Collection method: clinical testing. Allele origin: germline.
Comment: Variant summary: SPG11 c.4773dupT (p.Val1592CysfsX23) results in a premature termination codon, predicted to cause a truncation of the encoded protein or absence of the protein due to nonsense mediated decay, which are commonly known mechanisms for disease. The variant was absent in 251326 control chromosomes. To our knowledge, no occurrence of c.4773dupT in individuals affected with Hereditary Spastic Paraplegia, Type 11 and no experimental evidence demonstrating its impact on protein function have been reported. One submitter has cited clinical-significance assessments for this variant to ClinVar after 2014 and has classified the variant as likely pathogenic. Based on the evidence outlined above, the variant was classified as pathogenic.

Labcorp Genetics (formerly Invitae), Labcorp
Classification: Pathogenic for Hereditary spastic paraplegia 11. Last evaluated: 2023-07-03. Review status: criteria provided, single submitter. Criteria: Invitae Variant Classification Sherloc (09022015). Collection method: clinical testing. Allele origin: germline.
Comment: This sequence change creates a premature translational stop signal (p.Val1592Cysfs*23) in the SPG11 gene. It is expected to result in an absent or disrupted protein product. Loss-of-function variants in SPG11 are known to be pathogenic (PMID: 19105190, 20110243, 22154821, 26556829). This variant is not present in population databases (gnomAD no frequency). This variant has not been reported in the literature in individuals affected with SPG11-related conditions. ClinVar contains an entry for this variant (Variation ID: 421329). For these reasons, this variant has been classified as Pathogenic.

GeneDx
Classification: Likely pathogenic. Last evaluated: 2016-05-24. Review status: criteria provided, single submitter. Criteria: GeneDx Variant Classification (06012015). Collection method: clinical testing. Allele origin: germline. Affected: yes.
Comment: The c.4773dupT variant in the SPG11 gene has not been reported previously as a pathogenic variant nor as a benign variant, to our knowledge. The c.4773dupT duplication causes a frameshift starting with codon Valine 1592, changes this amino acid to a Cysteine residue, and creates a premature Stop codon at position 23 of the new reading frame, denoted p.Val1592CysfsX23. This variant is predicted to cause loss of normal protein function either through protein truncation or nonsense-mediated mRNA decay. The c.4773dupT variant was not observed in approximately 6,500 individuals of European and African American ancestry in the NHLBI Exome Sequencing Project, indicating it is not a common benign variant in these populations. We interpret c.4773dupT as a likely pathogenic variant.

Literature cited by the submitters: PubMed 19105190 (cited by Labcorp Genetics (formerly Invitae), Labcorp); PubMed 20110243 (cited by Labcorp Genetics (formerly Invitae), Labcorp); PubMed 22154821 (cited by Labcorp Genetics (formerly Invitae), Labcorp); PubMed 26556829 (cited by Labcorp Genetics (formerly Invitae), Labcorp).